The following is an entry in ClinVar:

ClinVar aggregate classification (germline): Likely pathogenic (1 of 4 stars; one submission).

Conditions:
Congenital factor VII deficiency. Identifiers: Orphanet 327, MedGen C0272320, MONDO:0009211, OMIM 227500.

Allele frequency attached by ClinVar (database versions not stated): gnomAD exomes below 0.00001.

Submission:

ISTH-SSC Genomics in Thrombosis and Hemostasis, KU Leuven, Center for Molecular and Vascular Biology
Classification: Likely pathogenic for Congenital factor VII deficiency. Review status: criteria provided, single submitter. Criteria: ACMG Guidelines, 2015. Collection method: clinical testing. Allele origin: unknown. Affected: yes.
Comment: Submitted to GoldVariant by Kathleen Freson, Center for Molecular and Vascular Biology, Leuven, Belgium

Literature cited by the submitters: PubMed 34355501.

NM_019616.4(F7):c.649G>C (p.Gly217Arg)

Gene: F7 (coagulation factor VII; plus strand). Cytogenetic location: 13q34.
Variant type: single nucleotide variant.
Coding change: c.649G>C on transcript NM_019616.4 (MANE Select); coding-DNA position 649, G replaced by C.
Protein change: p.Gly217Arg; replaces glycine 217 with arginine.
Molecular consequence: missense variant. On other transcripts: non-coding transcript variant (1).
Genome position (GRCh38, 1-based): chr13:113,117,506, G>C. VCF-style: chr13-113117506-G-C. GRCh37 (hg19) VCF-style: chr13-113771820-G-C.
Other names: c.715G>C, p.Gly239Arg (NM_000131.5); c.463G>C, p.Gly155Arg (NM_001267554.2); short protein forms G155R, G217R, G239R.
Identifiers: ClinVar variation 1676744 (VCV001676744.1), dbSNP rs2142229154, ClinGen allele CA388785260.